The following is an entry in ClinVar:

ClinVar aggregate classification (germline): Uncertain significance (1 of 4 stars; one submission).

Submission:

Labcorp Genetics (formerly Invitae), Labcorp
Classification: Uncertain significance. Last evaluated: 2024-07-30. Review status: criteria provided, single submitter. Criteria: Invitae Variant Classification Sherloc (09022015). Collection method: clinical testing. Allele origin: germline.
Comment: This sequence change replaces alanine, which is neutral and non-polar, with serine, which is neutral and polar, at codon 3529 of the ANK3 protein (p.Ala3529Ser). This variant is not present in population databases (gnomAD no frequency). This variant has not been reported in the literature in individuals affected with ANK3-related conditions. ClinVar contains an entry for this variant (Variation ID: 2125971). Advanced modeling of protein sequence and biophysical properties (such as structural, functional, and spatial information, amino acid conservation, physicochemical variation, residue mobility, and thermodynamic stability) performed at Invitae indicates that this missense variant is not expected to disrupt ANK3 protein function with a negative predictive value of 80%. In summary, the available evidence is currently insufficient to determine the role of this variant in disease. Therefore, it has been classified as a Variant of Uncertain Significance.

NM_020987.5(ANK3):c.10585G>T (p.Ala3529Ser)

Gene: ANK3 (ankyrin 3; minus strand). Cytogenetic location: 10q21.2.
Variant type: single nucleotide variant.
Coding change: c.10585G>T on transcript NM_020987.5 (MANE Select); coding-DNA position 10585, G replaced by T.
Protein change: p.Ala3529Ser; replaces alanine 3529 with serine.
Molecular consequence: missense variant. On other transcripts: intron variant (4).
Genome position (GRCh38, 1-based): chr10:60,070,296, C>A on the plus strand (G>T on the coding strand, the complement: ANK3 is on the minus strand). VCF-style: chr10-60070296-C-A. GRCh37 (hg19) VCF-style: chr10-61830054-C-A.
Other names: c.4388-2287G>T (NM_001204403.2); c.4409-2287G>T (NM_001204404.2); c.4406-2287G>T (NM_001320874.2); c.1808-2287G>T (NM_001149.4); short protein forms A3529S.
Identifiers: ClinVar variation 2125971 (VCV002125971.4), dbSNP rs368274922, ClinGen allele CA377000223.